The following is an entry in ClinVar:

ClinVar aggregate classification (germline): Benign/Likely benign. Review status: criteria provided, multiple submitters, no conflicts (2 of 4 stars). 3 submissions from 3 submitters: Benign (1); Likely benign (2). Last evaluated 2026-07-16.

Conditions:
Rhabdoid tumor predisposition syndrome 2 (RTPS2). Identifiers: Orphanet 231108, Orphanet 69077, MedGen C2750074, MONDO:0013224, OMIM 613325.
Hereditary cancer-predisposing syndrome. Also called: Hereditary Cancer Syndrome; Hereditary neoplastic syndrome; Neoplastic Syndromes, Hereditary; Tumor predisposition. Identifiers: Orphanet 140162, MedGen C0027672, MeSH D009386, MONDO:0015356.

Allele frequency attached by ClinVar (database versions not stated): TOPMed 0.00002.
gnomAD v4.1: 2 of 1,612,644 alleles (0.00012%); highest among the groups gnomAD compares: Non-Finnish European, 0.00017%; no homozygotes.

Submissions (3):

Myriad Genetics, Inc.
Classification: Benign for Rhabdoid tumor predisposition syndrome 2. Last evaluated: 2026-07-16. Review status: criteria provided, single submitter. Criteria: Myriad Autosomal Dominant, Autosomal Recessive and X-Linked Classification Criteria (2023). Collection method: clinical testing. Allele origin: unknown.
Comment: This variant is considered benign. This variant is a silent/synonymous amino acid change and it is not expected to impact splicing.

Labcorp Genetics (formerly Invitae), Labcorp
Classification: Likely benign for Rhabdoid tumor predisposition syndrome 2. Last evaluated: 2025-10-22. Review status: criteria provided, single submitter. Criteria: Invitae Variant Classification Sherloc (09022015). Collection method: clinical testing. Allele origin: germline.

Ambry Genetics
Classification: Likely benign for Hereditary cancer-predisposing syndrome. Last evaluated: 2015-10-01. Review status: criteria provided, single submitter. Criteria: Ambry Variant Classification Scheme 2023. Collection method: clinical testing. Allele origin: germline.

NM_003072.5(SMARCA4):c.4227A>T (p.Ser1409=)

Gene: SMARCA4 (SWI/SNF related BAF chromatin remodeling complex subunit ATPase 4; plus strand). Cytogenetic location: 19p13.2.
Variant type: single nucleotide variant.
Coding change: c.4227A>T on transcript NM_003072.5 (MANE Select); coding-DNA position 4227, A replaced by T.
Protein change: p.Ser1409=; no amino-acid change (serine 1409 retained).
Molecular consequence: synonymous variant. On other transcripts: non-coding transcript variant (1).
Genome position (GRCh38, 1-based): chr19:11,041,363, A>T. VCF-style: chr19-11041363-A-T. GRCh37 (hg19) VCF-style: chr19-11152039-A-T.
Other names: c.4227A>T, p.Ser1409= (NM_001128844.3); c.4137A>T, p.Ser1379= (NM_001128845.2, NM_001128846.2); c.4128A>T, p.Ser1376= (NM_001128847.4, NM_001128848.2, NM_001374457.1); c.4323A>T, p.Ser1441= (NM_001128849.3, NM_001387283.1).
Identifiers: ClinVar variation 415101 (VCV000415101.17), dbSNP rs61761958, ClinGen allele CA16616187.